The following is an entry in ClinVar:

NM_001371928.1(AHDC1):c.4280A>G (p.His1427Arg)

Gene: AHDC1 (AT-hook DNA binding motif containing 1; minus strand). Cytogenetic location: 1p36.11.
Variant type: single nucleotide variant.
Coding change: c.4280A>G on transcript NM_001371928.1 (MANE Select); coding-DNA position 4280, A replaced by G.
Protein change: p.His1427Arg; replaces histidine 1427 with arginine.
Molecular consequence: missense variant.
Genome position (GRCh38, 1-based): chr1:27,547,836, T>C on the plus strand (A>G on the coding strand, the complement: AHDC1 is on the minus strand). VCF-style: chr1-27547836-T-C. GRCh37 (hg19) VCF-style: chr1-27874347-T-C.
Other names: c.4280A>G, p.His1427Arg (NM_001029882.3); c.236A>G, p.His79Arg (NM_015699.1); c.4280A>G (NM_001029882.2); short protein forms H1427R, H79R.
Identifiers: ClinVar variation 1926482 (VCV001926482.8), dbSNP rs372813656, ClinGen allele CA715391.

ClinVar aggregate classification (germline): Conflicting classifications of pathogenicity. Review status: criteria provided, conflicting classifications (1 of 4 stars). 3 submissions from 3 submitters: Uncertain significance (1); Likely benign (1). 1 of the submissions does not count toward it. Last evaluated 2025-07-21.

Conditions:
Inborn genetic diseases. Identifiers: MedGen C0950123, MeSH D030342.
AHDC1-related disorder. Also called: AHDC1-related condition.

Allele frequency attached by ClinVar (database versions not stated): gnomAD exomes 0.00001; ExAC 0.00002; gnomAD 0.00005; ESP Exome Variant Server 0.00008; TOPMed 0.00009.
gnomAD v4.1: 22 of 1,551,110 alleles (0.0014%); highest among the groups gnomAD compares: African/African-American, 0.026%; no homozygotes.

Submissions (3):

Labcorp Genetics (formerly Invitae), Labcorp
Classification: Uncertain significance. Last evaluated: 2025-07-21. Review status: criteria provided, single submitter. Criteria: Invitae Variant Classification Sherloc (09022015). Collection method: clinical testing. Allele origin: germline.
Comment: This sequence change replaces histidine, which is basic and polar, with arginine, which is basic and polar, at codon 1427 of the AHDC1 protein (p.His1427Arg). This variant is present in population databases (rs372813656, gnomAD 0.04%). This variant has not been reported in the literature in individuals affected with AHDC1-related conditions. ClinVar contains an entry for this variant (Variation ID: 1926482). An algorithm developed to predict the effect of missense changes on protein structure and function (PolyPhen-2) suggests that this variant is likely to be tolerated. In summary, the available evidence is currently insufficient to determine the role of this variant in disease. Therefore, it has been classified as a Variant of Uncertain Significance.

Ambry Genetics
Classification: Likely benign for Inborn genetic diseases. Last evaluated: 2024-02-12. Review status: criteria provided, single submitter. Criteria: Ambry Variant Classification Scheme 2023. Collection method: clinical testing. Allele origin: germline.

PreventionGenetics, part of Exact Sciences
Classification: Likely benign for AHDC1-related condition. Last evaluated: 2023-07-25. Review status: no assertion criteria provided. Collection method: clinical testing. Allele origin: germline. Not counted in ClinVar's aggregate classification.
Comment: This variant is classified as likely benign based on ACMG/AMP sequence variant interpretation guidelines (Richards et al. 2015 PMID: 25741868, with internal and published modifications).